The following is an entry in ClinVar:

NM_032447.5(FBN3):c.5656+3G>T

Gene: FBN3 (fibrillin 3; minus strand). Cytogenetic location: 19p13.2.
Variant type: single nucleotide variant.
Coding change: c.5656+3G>T on transcript NM_032447.5 (MANE Select); 3 bases into the intron after coding-DNA position 5656, G replaced by T.
Molecular consequence: intron variant.
Genome position (GRCh38, 1-based): chr19:8,095,961, C>A on the plus strand (G>T on the coding strand, the complement: FBN3 is on the minus strand). VCF-style: chr19-8095961-C-A. GRCh37 (hg19) VCF-style: chr19-8160845-C-A.
Other names: c.5656+3G>T (NM_001321431.2).
Identifiers: ClinVar variation 2836852 (VCV002836852.3), dbSNP rs1219411137, ClinGen allele CA2739276456.

ClinVar aggregate classification (germline): Uncertain significance (1 of 4 stars; one submission).

Submission:

Labcorp Genetics (formerly Invitae), Labcorp
Classification: Uncertain significance. Last evaluated: 2025-02-06. Review status: criteria provided, single submitter. Criteria: Invitae Variant Classification Sherloc (09022015). Collection method: clinical testing. Allele origin: germline.
Comment: This sequence change falls in intron 45 of the FBN3 gene. It does not directly change the encoded amino acid sequence of the FBN3 protein. It affects a nucleotide within the consensus splice site. This variant is not present in population databases (gnomAD no frequency). This variant has not been reported in the literature in individuals affected with FBN3-related conditions. ClinVar contains an entry for this variant (Variation ID: 2836852). Variants that disrupt the consensus splice site are a relatively common cause of aberrant splicing (PMID: 17576681, 9536098). Algorithms developed to predict the effect of sequence changes on RNA splicing suggest that this variant may disrupt the consensus splice site. In summary, the available evidence is currently insufficient to determine the role of this variant in disease. Therefore, it has been classified as a Variant of Uncertain Significance.

Literature cited by the submitters: PubMed 17576681; PubMed 9536098.